The following is an entry in ClinVar:

ClinVar aggregate classification (germline): Uncertain significance (1 of 4 stars; one submission).

Conditions:
Progressive myoclonic epilepsy. Also called: Myoclonus epilepsy; Familial progressive myoclonic epilepsy; Progressive myoclonus epilepsy; Myoclonic Epilepsies, Progressive. Identifiers: Orphanet 308, Orphanet 98261, MedGen C0751778, MONDO:0020074.

gnomAD v4.1: 3 of 1,613,588 alleles (0.00019%); highest among the groups gnomAD compares: Non-Finnish European, 0.00025%; no homozygotes.

Submission:

Labcorp Genetics (formerly Invitae), Labcorp
Classification: Uncertain significance for Progressive myoclonic epilepsy. Last evaluated: 2023-05-26. Review status: criteria provided, single submitter. Criteria: Invitae Variant Classification Sherloc (09022015). Collection method: clinical testing. Allele origin: germline.
Comment: This variant has not been reported in the literature in individuals affected with SCARB2-related conditions. ClinVar contains an entry for this variant (Variation ID: 849851). Advanced modeling of protein sequence and biophysical properties (such as structural, functional, and spatial information, amino acid conservation, physicochemical variation, residue mobility, and thermodynamic stability) performed at Invitae indicates that this missense variant is not expected to disrupt SCARB2 protein function. In summary, the available evidence is currently insufficient to determine the role of this variant in disease. Therefore, it has been classified as a Variant of Uncertain Significance. This variant is not present in population databases (gnomAD no frequency). This sequence change replaces phenylalanine, which is neutral and non-polar, with leucine, which is neutral and non-polar, at codon 151 of the SCARB2 protein (p.Phe151Leu).

NM_005506.4(SCARB2):c.451T>C (p.Phe151Leu)

Gene: SCARB2 (scavenger receptor class B member 2; minus strand). Cytogenetic location: 4q21.1.
Variant type: single nucleotide variant.
Coding change: c.451T>C on transcript NM_005506.4 (MANE Select); coding-DNA position 451, T replaced by C.
Protein change: p.Phe151Leu; replaces phenylalanine 151 with leucine.
Molecular consequence: missense variant. On other transcripts: intron variant (1).
Genome position (GRCh38, 1-based): chr4:76,179,678, A>G on the plus strand (T>C on the coding strand, the complement: SCARB2 is on the minus strand). VCF-style: chr4-76179678-A-G. GRCh37 (hg19) VCF-style: chr4-77100831-A-G.
Other names: c.276-3768T>C (NM_001204255.2); short protein forms F151L.
Identifiers: ClinVar variation 849851 (VCV000849851.9), dbSNP rs1732338247, ClinGen allele CA357327006.
Genomic context (GRCh38, chr4:76,179,678, plus strand): 5'-GAGTCACAAAGAGCTTCTGCTGATAGGCTTTCAACATGGCCTCGATGATCTCCCTGAGGA[A>G]GTGCACCTGGGACCACTCTATGACAGTCTGCGGAGCAGAGGTATATTAAGACAGCAGCAT-3'
Protein context (NP_005497.1, residues 141-161): LTVIEWSQVH[Phe151Leu]LREIIEAMLK